The following is an entry in ClinVar:

ClinVar aggregate classification (germline): Benign. Review status: criteria provided, multiple submitters, no conflicts (2 of 4 stars). 3 submissions from 3 submitters: Benign (2). 1 of the submissions does not count toward it. Last evaluated 2020-07-15.

Conditions:
PTPN12-related disorder. Also called: PTPN12-related condition.

Allele frequency attached by ClinVar (database versions not stated): ESP Exome Variant Server 0.17315; gnomAD 0.20704 and 0.21923; TOPMed 0.23501; ExAC 0.26118; gnomAD exomes 0.27003; 1000 Genomes Project 30x 0.35556; 1000 Genomes Project 0.36502.
gnomAD v4.1: 311,730 of 1,613,716 alleles (19%); highest among the groups gnomAD compares: East Asian, 71%; 41,036 homozygotes.

Submissions (3):

GeneDx
Classification: Benign. Last evaluated: 2020-07-15. Review status: criteria provided, single submitter. Criteria: GeneDx Variant Classification Process June 2021. Collection method: clinical testing. Allele origin: germline. Affected: yes.
Comment: This variant is associated with the following publications: (PMID: 30731403)

Breakthrough Genomics
Classification: Benign. Review status: criteria provided, single submitter. Criteria: ACMG Guidelines, 2015. Collection method: not provided. Allele origin: germline. Inheritance: Autosomal dominant inheritance. Affected: yes.

PreventionGenetics, part of Exact Sciences
Classification: Benign for PTPN12-related condition. Last evaluated: 2019-10-18. Review status: no assertion criteria provided. Collection method: clinical testing. Allele origin: germline. Not counted in ClinVar's aggregate classification.
Comment: This variant is classified as benign based on ACMG/AMP sequence variant interpretation guidelines (Richards et al. 2015 PMID: 25741868, with internal and published modifications).

NM_002835.4(PTPN12):c.1717A>G (p.Thr573Ala)

Gene: PTPN12 (protein tyrosine phosphatase non-receptor type 12; plus strand). Cytogenetic location: 7q11.23.
Variant type: single nucleotide variant.
Coding change: c.1717A>G on transcript NM_002835.4 (MANE Select); coding-DNA position 1717, A replaced by G.
Protein change: p.Thr573Ala; replaces threonine 573 with alanine.
Molecular consequence: missense variant.
Genome position (GRCh38, 1-based): chr7:77,627,396, A>G. VCF-style: chr7-77627396-A-G. GRCh37 (hg19) VCF-style: chr7-77256713-A-G.
Other names: c.1360A>G, p.Thr454Ala (NM_001131008.2); c.1327A>G, p.Thr443Ala (NM_001131009.2); short protein forms T443A, T454A, T573A.
Identifiers: ClinVar variation 1235641 (VCV001235641.6), dbSNP rs3750050, ClinGen allele CA4311837.
Genomic context (GRCh38, chr7:77,627,396, plus strand): 5'-GGCAATTCCTCAGATATCAACTATCAAACTAGGAAAACTGTGAGTTTAACACCAAGTCCT[A>G]CAACACAAGTTGAAACACCTGATCTTGTGGATCATGATAACACTTCACCACTCTTCAGAA-3'
Protein context (NP_002826.3, residues 563-583): RKTVSLTPSP[Thr573Ala]TQVETPDLVD